The following is an entry in ClinVar:

NM_006361.6(HOXB13):c.661A>T (p.Ile221Phe)

Gene: HOXB13 (homeobox B13; minus strand). Cytogenetic location: 17q21.32.
Variant type: single nucleotide variant.
Coding change: c.661A>T on transcript NM_006361.6 (MANE Select); coding-DNA position 661, A replaced by T.
Protein change: p.Ile221Phe; replaces isoleucine 221 with phenylalanine.
Molecular consequence: missense variant.
Genome position (GRCh38, 1-based): chr17:48,726,984, T>A on the plus strand (A>T on the coding strand, the complement: HOXB13 is on the minus strand). VCF-style: chr17-48726984-T-A. GRCh37 (hg19) VCF-style: chr17-46804346-T-A.
Other names: c.661A>T (NM_006361.5); short protein forms I221F.
Identifiers: ClinVar variation 1001907 (VCV001001907.10), dbSNP rs2038218506, ClinGen allele CA400106791.

ClinVar aggregate classification (germline): Uncertain significance. Review status: criteria provided, multiple submitters, no conflicts (2 of 4 stars). 2 submissions from 2 submitters: Uncertain significance (2). Last evaluated 2025-08-08.

Conditions:
Hereditary cancer-predisposing syndrome. Also called: Neoplastic Syndromes, Hereditary; Tumor predisposition; Hereditary Cancer Syndrome; Hereditary neoplastic syndrome. Identifiers: Orphanet 140162, MedGen C0027672, MeSH D009386, MONDO:0015356.

Allele frequency attached by ClinVar (database versions not stated): gnomAD exomes below 0.00001; gnomAD 0.00001.
gnomAD v4.1: 3 of 1,612,462 alleles (0.00019%); highest among the groups gnomAD compares: South Asian, 0.0022%; no homozygotes.

Submissions (2):

Ambry Genetics
Classification: Uncertain significance for Hereditary cancer-predisposing syndrome. Last evaluated: 2025-08-08. Review status: criteria provided, single submitter. Criteria: Ambry Variant Classification Scheme 2023. Collection method: clinical testing. Allele origin: germline.
Comment: The p.I221F variant (also known as c.661A>T), located in coding exon 2 of the HOXB13 gene, results from an A to T substitution at nucleotide position 661. The isoleucine at codon 221 is replaced by phenylalanine, an amino acid with highly similar properties. This amino acid position is not well conserved in available vertebrate species. In addition, the in silico prediction for this alteration is inconclusive. Based on the available evidence, the clinical significance of this variant remains unclear.

Labcorp Genetics (formerly Invitae), Labcorp
Classification: Uncertain significance. Last evaluated: 2024-07-11. Review status: criteria provided, single submitter. Criteria: Invitae Variant Classification Sherloc (09022015). Collection method: clinical testing. Allele origin: germline.
Comment: This sequence change replaces isoleucine, which is neutral and non-polar, with phenylalanine, which is neutral and non-polar, at codon 221 of the HOXB13 protein (p.Ile221Phe). This variant is not present in population databases (gnomAD no frequency). This variant has not been reported in the literature in individuals affected with HOXB13-related conditions. ClinVar contains an entry for this variant (Variation ID: 1001907). Advanced modeling of protein sequence and biophysical properties (such as structural, functional, and spatial information, amino acid conservation, physicochemical variation, residue mobility, and thermodynamic stability) performed at Invitae indicates that this missense variant is not expected to disrupt HOXB13 protein function with a negative predictive value of 80%. In summary, the available evidence is currently insufficient to determine the role of this variant in disease. Therefore, it has been classified as a Variant of Uncertain Significance.